The following is an entry in ClinVar:

NM_022065.5(THADA):c.4631C>G (p.Ser1544Cys)

Genes: THADA (THADA armadillo repeat containing; minus strand), LOC122757928 (BRD4-independent group 4 enhancer GRCh37_chr2:43519973-43521172; plus strand). Cytogenetic location: 2p21.
Variant type: single nucleotide variant.
Coding change: c.4631C>G on transcript NM_022065.5 (MANE Select); coding-DNA position 4631, C replaced by G.
Protein change: p.Ser1544Cys; replaces serine 1544 with cysteine.
Molecular consequence: missense variant. On other transcripts: non-coding transcript variant (2).
Genome position (GRCh38, 1-based): chr2:43,293,021, G>C on the plus strand (C>G on the coding strand, the complement: THADA is on the minus strand). VCF-style: chr2-43293021-G-C. GRCh37 (hg19) VCF-style: chr2-43520160-G-C.
Other names: c.4631C>G, p.Ser1544Cys (NM_001083953.2, NM_001345925.2); c.4628C>G, p.Ser1543Cys (NM_001345923.2); c.4508C>G, p.Ser1503Cys (NM_001345924.2); c.*702C>G (NM_198554.1); short protein forms S1503C, S1543C, S1544C.
Identifiers: ClinVar variation 3034747 (VCV003034747.2), dbSNP rs57257569, ClinGen allele CA1632153.

ClinVar aggregate classification (germline): Benign (0 of 4 stars; one submission).

Conditions:
THADA-related disorder. Also called: THADA-related condition.

Allele frequency attached by ClinVar (database versions not stated): ESP Exome Variant Server 0.00016; gnomAD exomes 0.00030; TOPMed 0.00071; gnomAD 0.00086; ExAC 0.00113; 1000 Genomes Project 30x 0.00593; 1000 Genomes Project 0.00619.
gnomAD v4.1: 631 of 1,614,010 alleles (0.039%); highest among the groups gnomAD compares: East Asian, 0.98%; 3 homozygotes.

Submission:

PreventionGenetics, part of Exact Sciences
Classification: Benign for THADA-related condition. Last evaluated: 2019-08-01. Review status: no assertion criteria provided. Collection method: clinical testing. Allele origin: germline.
Comment: This variant is classified as benign based on ACMG/AMP sequence variant interpretation guidelines (Richards et al. 2015 PMID: 25741868, with internal and published modifications).